The following is an entry in ClinVar:

ClinVar aggregate classification (germline): Uncertain significance (1 of 4 stars; one submission).

Allele frequency attached by ClinVar (database versions not stated): gnomAD 0.00001; TOPMed 0.00001.
gnomAD v4.1: 2 of 1,608,412 alleles (0.00012%); highest among the groups gnomAD compares: African/African-American, 0.0027%; no homozygotes.

Submission:

Labcorp Genetics (formerly Invitae), Labcorp
Classification: Uncertain significance. Last evaluated: 2025-02-24. Review status: criteria provided, single submitter. Criteria: Invitae Variant Classification Sherloc (09022015). Collection method: clinical testing. Allele origin: germline.
Comment: This sequence change replaces leucine, which is neutral and non-polar, with serine, which is neutral and polar, at codon 1791 of the MPDZ protein (p.Leu1791Ser). This variant is present in population databases (no rsID available, gnomAD 0.008%). This variant has not been reported in the literature in individuals affected with MPDZ-related conditions. ClinVar contains an entry for this variant (Variation ID: 1946444). An algorithm developed to predict the effect of missense changes on protein structure and function (PolyPhen-2) suggests that this variant is likely to be disruptive. In summary, the available evidence is currently insufficient to determine the role of this variant in disease. Therefore, it has been classified as a Variant of Uncertain Significance.

NM_001378778.1(MPDZ):c.5372T>C (p.Leu1791Ser)

Gene: MPDZ (multiple PDZ domain crumbs cell polarity complex component; minus strand). Cytogenetic location: 9p23.
Variant type: single nucleotide variant.
Coding change: c.5372T>C on transcript NM_001378778.1 (MANE Select); coding-DNA position 5372, T replaced by C.
Protein change: p.Leu1791Ser; replaces leucine 1791 with serine.
Molecular consequence: missense variant.
Genome position (GRCh38, 1-based): chr9:13,119,509, A>G on the plus strand (T>C on the coding strand, the complement: MPDZ is on the minus strand). VCF-style: chr9-13119509-A-G. GRCh37 (hg19) VCF-style: chr9-13119508-A-G.
Other names: c.5273T>C, p.Leu1758Ser (NM_001261406.2, NM_001261407.2, NM_001375416.1 and 3 more transcripts); c.5372T>C, p.Leu1791Ser (NM_001330637.2, NM_003829.5); c.5471T>C, p.Leu1824Ser (NM_001375413.1); c.5162T>C, p.Leu1721Ser (NM_001375420.1, NM_001375421.1, NM_001375422.1 and 4 more transcripts); c.4964T>C, p.Leu1655Ser (NM_001375427.1); short protein forms L1655S, L1721S, L1758S, L1791S, L1824S.
Identifiers: ClinVar variation 1946444 (VCV001946444.5), dbSNP rs746916432, ClinGen allele CA372943468.